The following is an entry in ClinVar:

NM_000360.4(TH):c.1459G>C (p.Asp487His)

Gene: TH (tyrosine hydroxylase; minus strand). Cytogenetic location: 11p15.5.
Variant type: single nucleotide variant.
Coding change: c.1459G>C on transcript NM_000360.4 (MANE Select); coding-DNA position 1459, G replaced by C.
Protein change: p.Asp487His; replaces aspartic acid 487 with histidine.
Molecular consequence: missense variant.
Genome position (GRCh38, 1-based): chr11:2,164,268, C>G on the plus strand (G>C on the coding strand, the complement: TH is on the minus strand). VCF-style: chr11-2164268-C-G. GRCh37 (hg19) VCF-style: chr11-2185498-C-G.
Other names: c.1552G>C, p.Asp518His (NM_199292.3); c.1540G>C, p.Asp514His (NM_199293.3); short protein forms D518H, D487H, D514H.
Identifiers: ClinVar variation 1355548 (VCV001355548.8), dbSNP rs2133686524, ClinGen allele CA379124073.
Genomic context (GRCh38, chr11:2,164,268, plus strand): 5'-AAGGGCCCTCAGGGACGCCGTGCACCTAGCCAATGGCACTCAGCGCATGGGCAAGGGTGT[C>G]CAGCTCATCCTGGACACCCTCCAGGGAGCGCCGCACGGCCTGGGGGCTGTCCAGCACGTC-3'
Protein context (NP_000351.2, residues 477-497): RSLEGVQDEL[Asp487His]TLAHALSAIG

ClinVar aggregate classification (germline): Uncertain significance (1 of 4 stars; one submission).

Conditions:
TH-deficient dopa-responsive dystonia. Also called: Tyrosine Hydroxylase-Deficient Dopa-Responsive Dystonia; Segawa syndrome, autosomal recessive; DYT-TH. Identifiers: Orphanet 101150, MedGen C2673535, MONDO:0011551, OMIM 605407.

Submission:

Labcorp Genetics (formerly Invitae), Labcorp
Classification: Uncertain significance for TH-deficient dopa-responsive dystonia. Last evaluated: 2021-05-20. Review status: criteria provided, single submitter. Criteria: Invitae Variant Classification Sherloc (09022015). Collection method: clinical testing. Allele origin: germline.
Comment: In summary, the available evidence is currently insufficient to determine the role of this variant in disease. Therefore, it has been classified as a Variant of Uncertain Significance. Advanced modeling of protein sequence and biophysical properties (such as structural, functional, and spatial information, amino acid conservation, physicochemical variation, residue mobility, and thermodynamic stability) performed at Invitae indicates that this missense variant is not expected to disrupt TH protein function. This variant has not been reported in the literature in individuals with TH-related conditions. This variant is not present in population databases (ExAC no frequency). This sequence change replaces aspartic acid with histidine at codon 518 of the TH protein (p.Asp518His). The aspartic acid residue is weakly conserved and there is a moderate physicochemical difference between aspartic acid and histidine.